The following is an entry in ClinVar:

NM_182493.3(MYLK3):c.166G>C (p.Asp56His)

Gene: MYLK3 (myosin light chain kinase 3; minus strand). Cytogenetic location: 16q11.2.
Variant type: single nucleotide variant.
Coding change: c.166G>C on transcript NM_182493.3 (MANE Select); coding-DNA position 166, G replaced by C.
Protein change: p.Asp56His; replaces aspartic acid 56 with histidine.
Molecular consequence: missense variant. On other transcripts: intron variant (1).
Genome position (GRCh38, 1-based): chr16:46,748,028, C>G on the plus strand (G>C on the coding strand, the complement: MYLK3 is on the minus strand). VCF-style: chr16-46748028-C-G. GRCh37 (hg19) VCF-style: chr16-46781940-C-G.
Other names: c.-113-7881G>C (NM_001308301.1); short protein forms D56H.
Identifiers: ClinVar variation 3680841 (VCV003680841.2).

ClinVar aggregate classification (germline): Uncertain significance (1 of 4 stars; one submission).

Submission:

Labcorp Genetics (formerly Invitae), Labcorp
Classification: Uncertain significance. Last evaluated: 2024-12-22. Review status: criteria provided, single submitter. Criteria: Invitae Variant Classification Sherloc (09022015). Collection method: clinical testing. Allele origin: germline.
Comment: This sequence change replaces aspartic acid, which is acidic and polar, with histidine, which is basic and polar, at codon 56 of the MYLK3 protein (p.Asp56His). This variant is not present in population databases (gnomAD no frequency). This variant has not been reported in the literature in individuals affected with MYLK3-related conditions. An algorithm developed to predict the effect of missense changes on protein structure and function (PolyPhen-2) suggests that this variant is likely to be disruptive. In summary, the available evidence is currently insufficient to determine the role of this variant in disease. Therefore, it has been classified as a Variant of Uncertain Significance.